The following is an entry in ClinVar:

NM_006766.5(KAT6A):c.1621G>A (p.Glu541Lys)

Gene: KAT6A (lysine acetyltransferase 6A; minus strand). Cytogenetic location: 8p11.21.
Variant type: single nucleotide variant.
Coding change: c.1621G>A on transcript NM_006766.5 (MANE Select); coding-DNA position 1621, G replaced by A.
Protein change: p.Glu541Lys; replaces glutamic acid 541 with lysine.
Molecular consequence: missense variant.
Genome position (GRCh38, 1-based): chr8:41,949,341, C>T on the plus strand (G>A on the coding strand, the complement: KAT6A is on the minus strand). VCF-style: chr8-41949341-C-T. GRCh37 (hg19) VCF-style: chr8-41806859-C-T.
Other names: c.1621G>A, p.Glu541Lys (NM_001305878.2); short protein forms E541K.
Identifiers: ClinVar variation 3720530 (VCV003720530.2).
Genomic context (GRCh38, chr8:41,949,341, plus strand): 5'-CACATTTCTTCATGTGCTGCTGCAGAATAGTTCTACTTTTCATATATTTTAGACAAAATT[C>T]ACAAAGATACAATTTGGGCAGCCTGTAAACGATAATTAAACAAAAAAGACAGGGCTTTAT-3'
Protein context (NP_006757.2, residues 531-551): YSRLPKLYLC[Glu541Lys]FCLKYMKSRT

ClinVar aggregate classification (germline): Likely pathogenic (1 of 4 stars; one submission).

Submission:

Labcorp Genetics (formerly Invitae), Labcorp
Classification: Likely pathogenic. Last evaluated: 2024-11-19. Review status: criteria provided, single submitter. Criteria: Invitae Variant Classification Sherloc (09022015). Collection method: clinical testing. Allele origin: germline.
Comment: This sequence change replaces glutamic acid, which is acidic and polar, with lysine, which is basic and polar, at codon 541 of the KAT6A protein (p.Glu541Lys). This variant is not present in population databases (gnomAD no frequency). This missense change has been observed in individual(s) with KAT6A-related conditions (internal data). In at least one individual the variant was observed to be de novo. Invitae Evidence Modeling of protein sequence and biophysical properties (such as structural, functional, and spatial information, amino acid conservation, physicochemical variation, residue mobility, and thermodynamic stability) indicates that this missense variant is not expected to disrupt KAT6A protein function with a negative predictive value of 95%. In summary, the currently available evidence indicates that the variant is pathogenic, but additional data are needed to prove that conclusively. Therefore, this variant has been classified as Likely Pathogenic.